The following is an entry in ClinVar:

NM_022552.5(DNMT3A):c.1411A>G (p.Ile471Val)

Gene: DNMT3A (DNA methyltransferase 3 alpha; minus strand). Cytogenetic location: 2p23.3.
Variant type: single nucleotide variant.
Coding change: c.1411A>G on transcript NM_022552.5 (MANE Select); coding-DNA position 1411, A replaced by G.
Protein change: p.Ile471Val; replaces isoleucine 471 with valine.
Molecular consequence: missense variant. On other transcripts: non-coding transcript variant (1).
Genome position (GRCh38, 1-based): chr2:25,246,178, T>C on the plus strand (A>G on the coding strand, the complement: DNMT3A is on the minus strand). VCF-style: chr2-25246178-T-C. GRCh37 (hg19) VCF-style: chr2-25469047-T-C.
Other names: c.955A>G, p.Ile319Val (NM_001320893.1); c.742A>G, p.Ile248Val (NM_001375819.1); c.844A>G, p.Ile282Val (NM_153759.3); c.1411A>G, p.Ile471Val (NM_175629.2); short protein forms I471V, I282V, I248V, I319V.
Identifiers: ClinVar variation 4714815 (VCV004714815.1).
Genomic context (GRCh38, chr2:25,246,178, plus strand): 5'-CAGGCCTCCTGGTGCCACCCTCTCCAGAAGCAGGCCAACTACCTCTTGTGCGCTCATCAA[T>C]AATCTCCTTGACCTTGGGCTTCTCCGCTGTGCTCTTCCGGGGCTTTTTGGCTGGTGGAGG-3'
Protein context (NP_072046.2, residues 461-481): TAEKPKVKEI[Ile471Val]DERTRERLVY

ClinVar aggregate classification (germline): Uncertain significance (1 of 4 stars; one submission).

Conditions:
Tatton-Brown-Rahman overgrowth syndrome. Also called: Tall stature-intellectual disability-facial dysmorphism syndrome; Tatton-Brown-Rahman syndrome. Identifiers: Orphanet 404443, MedGen C4014545, MONDO:0014382, OMIM 615879.

gnomAD v4.1: 1 of 1,614,094 alleles (0.000062%); highest among the groups gnomAD compares: South Asian, 0.0011%; no homozygotes.

Submission:

Labcorp Genetics (formerly Invitae), Labcorp
Classification: Uncertain significance for Tatton-Brown-Rahman overgrowth syndrome. Last evaluated: 2025-08-05. Review status: criteria provided, single submitter. Criteria: Invitae Variant Classification Sherloc (09022015). Collection method: clinical testing. Allele origin: germline.
Comment: This sequence change replaces isoleucine, which is neutral and non-polar, with valine, which is neutral and non-polar, at codon 471 of the DNMT3A protein (p.Ile471Val). This variant is present in population databases (no rsID available, gnomAD 0.003%). This variant has not been reported in the literature in individuals affected with DNMT3A-related conditions. Invitae Evidence Modeling of protein sequence and biophysical properties (such as structural, functional, and spatial information, amino acid conservation, physicochemical variation, residue mobility, and thermodynamic stability) indicates that this missense variant is not expected to disrupt DNMT3A protein function with a negative predictive value of 95%. In summary, the available evidence is currently insufficient to determine the role of this variant in disease. Therefore, it has been classified as a Variant of Uncertain Significance.